The following is an entry in ClinVar:

ClinVar aggregate classification (germline): Uncertain significance (1 of 4 stars; one submission).

Conditions:
RPGRIP1L-related disorder. Also called: RPGRIP1L-related disorders; RPGRIP1L-related condition. Identifiers: MedGen CN239416.

gnomAD v4.1: 8 of 694,306 alleles (0.0012%); highest among the groups gnomAD compares: Middle Eastern, 0.023%; 1 homozygote.

Submission:

PreventionGenetics, part of Exact Sciences
Classification: Uncertain significance for RPGRIP1L-related condition. Last evaluated: 2026-05-11. Review status: criteria provided, single submitter. Criteria: ACMG Guidelines, 2015. Collection method: clinical testing. Allele origin: germline.
Comment: The RPGRIP1L c.377G>C variant is predicted to result in extension of the open reading frame (p.*126Serext*4). To our knowledge, this variant has not been reported in the literature. This variant is reported in 0.0020% of alleles in individuals of European (Non-Finnish) descent in gnomAD. At this time, the clinical significance of this variant is uncertain due to the absence of conclusive functional and genetic evidence.

NM_015272.5(RPGRIP1L):c.230+839G>C

Gene: RPGRIP1L (RPGRIP1 like; minus strand). Cytogenetic location: 16q12.2.
Variant type: single nucleotide variant.
Coding change: c.230+839G>C on transcript NM_015272.5 (MANE Select); 839 bases into the intron after coding-DNA position 230, G replaced by C.
Molecular consequence: intron variant. On other transcripts: stop lost (1).
Genome position (GRCh38, 1-based): chr16:53,695,312, C>G on the plus strand (G>C on the coding strand, the complement: RPGRIP1L is on the minus strand). VCF-style: chr16-53695312-C-G. GRCh37 (hg19) VCF-style: chr16-53729224-C-G.
Other names: c.377G>C, p.Ter126Ser (NM_001328422.2); c.230+839G>C (NM_001127897.4, NM_001330538.2, NM_001308334.3).
Identifiers: ClinVar variation 4981169 (VCV004981169.1).
Genomic context (GRCh38, chr16:53,695,312, plus strand): 5'-GAATCAGGCAAGTGAGTCACAAATCTTGAAAACAGCCATCATCATGACTAAAACCCAACT[C>G]AAAGTAAAAGGCCTGCACATAGCATGCCAGTGGGTTGTTGAAGTCCACAGAGTAGAAACT-3'